The following is an entry in ClinVar:

NM_025219.3(DNAJC5):c.107+10C>T

Gene: DNAJC5 (DnaJ heat shock protein family (Hsp40) member C5; plus strand). Cytogenetic location: 20q13.33.
Variant type: single nucleotide variant.
Coding change: c.107+10C>T on transcript NM_025219.3 (MANE Select); 10 bases into the intron after coding-DNA position 107, C replaced by T.
Molecular consequence: intron variant.
Genome position (GRCh38, 1-based): chr20:63,928,462, C>T. VCF-style: chr20-63928462-C-T. GRCh37 (hg19) VCF-style: chr20-62559815-C-T.
Identifiers: ClinVar variation 205365 (VCV000205365.52), dbSNP rs181906972, ClinGen allele CA314372.

ClinVar aggregate classification (germline): Benign/Likely benign. Review status: criteria provided, multiple submitters, no conflicts (2 of 4 stars). 10 submissions from 10 submitters: Benign (5); Likely benign (3). 2 of the submissions do not count toward it. Last evaluated 2026-02-03.

Conditions:
Ceroid lipofuscinosis, neuronal, 4 (Kufs type) (CLN4). Also called: Neuronal ceroid lipofuscinosis 4B; Ceroid lipofuscinosis, neuronal, 4, Parry type. Identifiers: Orphanet 228343, Orphanet 79262, MedGen C1834207, MONDO:0008083, OMIM 162350.
Neuronal ceroid lipofuscinosis. Also called: Neuronal Ceroid Lipofuscinoses. Identifiers: Orphanet 216, Orphanet 79263, MedGen C0027877, MONDO:0016295. Disease mechanism: loss of function.

Allele frequency attached by ClinVar (database versions not stated): 1000 Genomes Project 0.00060; 1000 Genomes Project 30x 0.00062; gnomAD exomes 0.00095 and 0.00100; TOPMed 0.00099; ESP Exome Variant Server 0.00100; gnomAD 0.00101 and 0.00107; ExAC 0.00108.

Submissions (10):

Labcorp Genetics (formerly Invitae), Labcorp
Classification: Benign for Neuronal ceroid lipofuscinosis. Last evaluated: 2026-02-03. Review status: criteria provided, single submitter. Criteria: Invitae Variant Classification Sherloc (09022015). Collection method: clinical testing. Allele origin: germline.

CeGaT Center for Human Genetics Tuebingen
Classification: Benign. Last evaluated: 2025-11-01. Review status: criteria provided, single submitter. Criteria: CeGaT Center For Human Genetics Tuebingen Variant Classification Criteria Version 2. Collection method: clinical testing. Allele origin: germline. Affected: yes. Observed: 2 variant alleles.
Comment: DNAJC5: BS1, BS2

Blueprint Genetics
Classification: Likely benign. Last evaluated: 2024-11-26. Review status: criteria provided, single submitter. Criteria: ACMG Guidelines, 2015. Collection method: clinical testing. Allele origin: germline.

Illumina Laboratory Services, Illumina
Classification: Benign for Ceroid lipofuscinosis, neuronal, 4 (Kufs type). Last evaluated: 2018-01-13. Review status: criteria provided, single submitter. Criteria: ICSL Variant Classification Criteria 13 December 2019. Collection method: clinical testing. Allele origin: germline.
Comment: This variant was observed in the ICSL laboratory as part of a predisposition screen in an ostensibly healthy population. It had not been previously curated by ICSL or reported in the Human Gene Mutation Database (HGMD: prior to June 1st, 2018), and was therefore a candidate for classification through an automated scoring system. Utilizing variant allele frequency, disease prevalence and penetrance estimates, and inheritance mode, an automated score was calculated to assess if this variant is too frequent to cause the disease. Based on the score and internal cut-off values, a variant classified as benign is not then subjected to further curation. The score for this variant resulted in a classification of benign for this disease.

Athena Diagnostics
Classification: Benign. Last evaluated: 2017-02-15. Review status: criteria provided, single submitter. Criteria: Athena Diagnostics Criteria. Collection method: clinical testing. Allele origin: germline.

Eurofins Ntd Llc (ga)
Classification: Likely benign. Last evaluated: 2016-08-09. Review status: criteria provided, single submitter. Criteria: EGL Classification Definitions 2015. Collection method: clinical testing. Allele origin: germline. Observed: 1 variant allele, 1 heterozygote.

GeneDx
Classification: Benign. Last evaluated: 2014-07-29. Review status: criteria provided, single submitter. Criteria: GeneDx Variant Classification (06012015). Collection method: clinical testing. Allele origin: germline. Affected: yes.
Comment: This variant is considered likely benign or benign based on one or more of the following criteria: it is a conservative change, it occurs at a poorly conserved position in the protein, it is predicted to be benign by multiple in silico algorithms, and/or has population frequency not consistent with disease.

PreventionGenetics, part of Exact Sciences
Classification: Likely benign. Review status: criteria provided, single submitter. Criteria: ACMG Guidelines, 2015. Collection method: clinical testing. Allele origin: germline.

Clinical Genetics DNA and cytogenetics Diagnostics Lab, Erasmus MC, Erasmus Medical Center
Classification: Likely benign. Review status: no assertion criteria provided. Collection method: clinical testing. Allele origin: germline. Affected: yes. Study: VKGL Data-share Consensus. Not counted in ClinVar's aggregate classification.

Genome Diagnostics Laboratory, University Medical Center Utrecht
Classification: Likely benign. Review status: no assertion criteria provided. Collection method: clinical testing. Allele origin: germline. Affected: yes. Study: VKGL Data-share Consensus. Not counted in ClinVar's aggregate classification.